The following is an entry in ClinVar:

ClinVar aggregate classification (germline): Uncertain significance (1 of 4 stars; one submission).

Submission:

Labcorp Genetics (formerly Invitae), Labcorp
Classification: Uncertain significance. Last evaluated: 2023-10-20. Review status: criteria provided, single submitter. Criteria: Invitae Variant Classification Sherloc (09022015). Collection method: clinical testing. Allele origin: unknown.
Comment: A copy number gain of the genomic region encompassing the full coding sequence of the AKR1C4 gene has been identified. The boundaries of this event are unknown as they extend beyond the assayed region for this gene and therefore may encompass additional genes. As the precise location of this event is unknown, it may be in tandem or it may be located elsewhere in the genome. This variant has not been reported in the literature in individuals affected with AKR1C4-related conditions. In summary, the available evidence is currently insufficient to determine the role of this variant in disease. Therefore, it has been classified as a Variant of Uncertain Significance.

NC_000010.10:g.(?_5238831)_(5260723_?)dup

Gene: AKR1C4 (aldo-keto reductase family 1 member C4; plus strand). Cytogenetic location: 10p15.1.
Variant type: Duplication.
Identifiers: ClinVar variation 3244965 (VCV003244965.1).